The following is an entry in ClinVar:

ClinVar aggregate classification (germline): Uncertain significance (1 of 4 stars; one submission).

Allele frequency attached by ClinVar (database versions not stated): gnomAD exomes below 0.00001 and 0.00001; ExAC 0.00001; gnomAD 0.00001; TOPMed 0.00001.
gnomAD v4.1: 7 of 1,610,338 alleles (0.00043%); highest among the groups gnomAD compares: East Asian, 0.011%; no homozygotes.

Submission:

Labcorp Genetics (formerly Invitae), Labcorp
Classification: Uncertain significance. Last evaluated: 2021-11-22. Review status: criteria provided, single submitter. Criteria: Invitae Variant Classification Sherloc (09022015). Collection method: clinical testing. Allele origin: germline.
Comment: This sequence change replaces serine, which is neutral and polar, with tyrosine, which is neutral and polar, at codon 251 of the PAX4 protein (p.Ser251Tyr). The frequency data for this variant in the population databases is considered unreliable, as metrics indicate poor data quality at this position in the gnomAD database. This variant has not been reported in the literature in individuals affected with PAX4-related conditions. Algorithms developed to predict the effect of missense changes on protein structure and function are either unavailable or do not agree on the potential impact of this missense change (SIFT: "Deleterious"; PolyPhen-2: "Possibly Damaging"; Align-GVGD: "Class C0"). In summary, the available evidence is currently insufficient to determine the role of this variant in disease. Therefore, it has been classified as a Variant of Uncertain Significance.

NM_001366110.1(PAX4):c.776C>A (p.Ser259Tyr)

Gene: PAX4 (paired box 4; minus strand). Cytogenetic location: 7q32.1.
Variant type: single nucleotide variant.
Coding change: c.776C>A on transcript NM_001366110.1 (MANE Select); coding-DNA position 776, C replaced by A.
Protein change: p.Ser259Tyr; replaces serine 259 with tyrosine.
Molecular consequence: missense variant.
Genome position (GRCh38, 1-based): chr7:127,611,672, G>T on the plus strand (C>A on the coding strand, the complement: PAX4 is on the minus strand). VCF-style: chr7-127611672-G-T. GRCh37 (hg19) VCF-style: chr7-127251726-G-T.
Other names: c.776C>A, p.Ser259Tyr (NM_001366111.1); short protein forms S259Y.
Identifiers: ClinVar variation 1505122 (VCV001505122.6), dbSNP rs529976183, ClinGen allele CA4467906.